The following is an entry in ClinVar:

NM_000038.6(APC):c.1045C>A (p.Gln349Lys)

Gene: APC (APC regulator of Wnt signaling pathway; plus strand). Cytogenetic location: 5q22.2.
Variant type: single nucleotide variant.
Coding change: c.1045C>A on transcript NM_000038.6 (MANE Select); coding-DNA position 1045, C replaced by A.
Protein change: p.Gln349Lys; replaces glutamine 349 with lysine.
Molecular consequence: missense variant. On other transcripts: non-coding transcript variant (2), intron variant (15).
Genome position (GRCh38, 1-based): chr5:112,819,077, C>A. VCF-style: chr5-112819077-C-A. GRCh37 (hg19) VCF-style: chr5-112154774-C-A.
Other names: c.1045C>A, p.Gln349Lys (NM_001127510.3, NM_001354895.2, NM_001354896.2 and 4 more transcripts); c.991C>A, p.Gln331Lys (NM_001127511.3); c.1075C>A, p.Gln359Lys (NM_001354897.2, NM_001407446.1); c.970C>A, p.Gln324Lys (NM_001354898.2, NM_001407451.1); c.961C>A, p.Gln321Lys (NM_001354899.2, NM_001407452.1); c.868C>A, p.Gln290Lys (NM_001354900.2, NM_001354901.2, NM_001407453.1); c.196C>A, p.Gln66Lys (NM_001354906.2, NM_001407470.1); c.85-192C>A (NM_001407472.1, NM_001407471.1); and 5 more; short protein forms Q321K, Q359K, Q331K, Q349K, Q324K, Q290K, Q66K.
Identifiers: ClinVar variation 4121448 (VCV004121448.1).

ClinVar aggregate classification (germline): Uncertain significance (1 of 4 stars; one submission).

Conditions:
Hereditary cancer-predisposing syndrome. Also called: Hereditary neoplastic syndrome; Neoplastic Syndromes, Hereditary; Tumor predisposition; Hereditary Cancer Syndrome. Identifiers: Orphanet 140162, MedGen C0027672, MeSH D009386, MONDO:0015356.

gnomAD v4.1: 1 of 1,614,098 alleles (0.000062%); no homozygotes.

Submission:

Ambry Genetics
Classification: Uncertain significance for Hereditary cancer-predisposing syndrome. Last evaluated: 2025-08-13. Review status: criteria provided, single submitter. Criteria: Ambry Variant Classification Scheme 2023. Collection method: clinical testing. Allele origin: germline.
Comment: The p.Q349K variant (also known as c.1045C>A), located in coding exon 9 of the APC gene, results from a C to A substitution at nucleotide position 1045. The glutamine at codon 349 is replaced by lysine, an amino acid with similar properties. This amino acid position is conserved. In addition, in silico predictors for this gene do not accurately predict pathogenicity. Based on the available evidence, the clinical significance of this variant remains unclear.